The following is an entry in ClinVar:

ClinVar aggregate classification (germline): Uncertain significance. Review status: criteria provided, multiple submitters, no conflicts (2 of 4 stars). 3 submissions from 3 submitters: Uncertain significance (2). 1 of the submissions does not count toward it. Last evaluated 2024-03-01.

Conditions:
DNAH9-related disorder. Also called: DNAH9-related condition.
Ciliary dyskinesia, primary, 40. Also called: CILIARY DYSKINESIA, PRIMARY, 40, WITH OR WITHOUT SITUS INVERSUS. Identifiers: MedGen C4749028, MONDO:0032664, OMIM 618300.

Allele frequency attached by ClinVar (database versions not stated): ExAC 0.00001; gnomAD 0.00001; gnomAD exomes 0.00001; TOPMed 0.00001.
gnomAD v4.1: 15 of 1,613,664 alleles (0.00093%); highest among the groups gnomAD compares: Admixed American, 0.0033%; no homozygotes.

Submissions (3):

Labcorp Genetics (formerly Invitae), Labcorp
Classification: Uncertain significance. Last evaluated: 2024-03-01. Review status: criteria provided, single submitter. Criteria: Invitae Variant Classification Sherloc (09022015). Collection method: clinical testing. Allele origin: germline.
Comment: This sequence change replaces arginine, which is basic and polar, with cysteine, which is neutral and slightly polar, at codon 620 of the DNAH9 protein (p.Arg620Cys). This variant is present in population databases (rs776574643, gnomAD 0.006%). This variant has not been reported in the literature in individuals affected with DNAH9-related conditions. ClinVar contains an entry for this variant (Variation ID: 2441968). Advanced modeling of protein sequence and biophysical properties (such as structural, functional, and spatial information, amino acid conservation, physicochemical variation, residue mobility, and thermodynamic stability) performed at Invitae indicates that this missense variant is expected to disrupt DNAH9 protein function with a positive predictive value of 80%. In summary, the available evidence is currently insufficient to determine the role of this variant in disease. Therefore, it has been classified as a Variant of Uncertain Significance.

Baylor Genetics
Classification: Uncertain significance for Ciliary dyskinesia, primary, 40. Last evaluated: 2021-05-24. Review status: criteria provided, single submitter. Criteria: ACMG Guidelines, 2015. Collection method: clinical testing. Allele origin: unknown.

PreventionGenetics, part of Exact Sciences
Classification: Uncertain significance for DNAH9-related condition. Last evaluated: 2023-11-03. Review status: no assertion criteria provided. Collection method: clinical testing. Allele origin: germline. Not counted in ClinVar's aggregate classification.
Comment: The DNAH9 c.1858C>T variant is predicted to result in the amino acid substitution p.Arg620Cys. To our knowledge, this variant has not been reported in the literature. This variant is reported in 0.0057% of alleles in individuals of Latino descent in gnomAD. At this time, the clinical significance of this variant is uncertain due to the absence of conclusive functional and genetic evidence.

NM_001372.4(DNAH9):c.1858C>T (p.Arg620Cys)

Gene: DNAH9 (dynein axonemal heavy chain 9; plus strand). Cytogenetic location: 17p12.
Variant type: single nucleotide variant.
Coding change: c.1858C>T on transcript NM_001372.4 (MANE Select); coding-DNA position 1858, C replaced by T.
Protein change: p.Arg620Cys; replaces arginine 620 with cysteine.
Molecular consequence: missense variant.
Genome position (GRCh38, 1-based): chr17:11,640,341, C>T. VCF-style: chr17-11640341-C-T. GRCh37 (hg19) VCF-style: chr17-11543658-C-T.
Other names: c.1858C>T (NM_001372.3); short protein forms R620C.
Identifiers: ClinVar variation 2441968 (VCV002441968.4), dbSNP rs776574643, ClinGen allele CA8395003.